The following is an entry in ClinVar:

ClinVar aggregate classification (germline): Pathogenic (1 of 4 stars; one submission).

Conditions:
Long QT syndrome (LQTS). Identifiers: MedGen C0023976, MeSH D008133, MONDO:0002442. Disease mechanism: loss of function. Inheritance: Various modes of inheritance.

Submission:

Labcorp Genetics (formerly Invitae), Labcorp
Classification: Pathogenic for Long QT syndrome. Last evaluated: 2023-11-24. Review status: criteria provided, single submitter. Criteria: Invitae Variant Classification Sherloc (09022015). Collection method: clinical testing. Allele origin: germline.
Comment: This sequence change creates a premature translational stop signal (p.Arg885Glyfs*91) in the KCNH2 gene. It is expected to result in an absent or disrupted protein product. Loss-of-function variants in KCNH2 are known to be pathogenic (PMID: 10973849, 19862833). This variant is not present in population databases (gnomAD no frequency). This variant has not been reported in the literature in individuals affected with KCNH2-related conditions. For these reasons, this variant has been classified as Pathogenic.

Literature cited by the submitters: PubMed 10973849; PubMed 19862833.

NM_000238.4(KCNH2):c.2648_2652dup (p.Arg885fs)

Gene: KCNH2 (potassium voltage-gated channel subfamily H member 2; minus strand). Cytogenetic location: 7q36.1.
Variant type: Duplication.
Coding change: c.2648_2652dup on transcript NM_000238.4 (MANE Select); coding-DNA positions 2648 to 2652, 5 bases duplicated (GGCAA; older notation c.2648_2652dupGGCAA).
Protein change: p.Arg885fs; shifts the reading frame from arginine 885.
Molecular consequence: frameshift variant. On other transcripts: non-coding transcript variant (2).
Genome position (GRCh38, 1-based): chr7:150,948,484-150,948,488, TTGCC duplicated on the plus strand (GGCAA on the coding strand, the reverse complement: KCNH2 is on the minus strand). VCF-style (leftmost placement, unchanged base first): chr7-150948483-G-GTTGCC. GRCh37 (hg19) VCF-style: chr7-150645571-G-GTTGCC.
Other names: c.2360_2364dup, p.Arg789fs (NM_001406753.1); c.1628_1632dup, p.Arg545fs (NM_172057.3); short protein forms R545fs, R789fs, R885fs.
Identifiers: ClinVar variation 2748964 (VCV002748964.3), dbSNP rs2486012451, ClinGen allele CA2697557667.